The following is an entry in ClinVar:

NM_000395.3(CSF2RB):c.1889G>T (p.Cys630Phe)

Gene: CSF2RB (colony stimulating factor 2 receptor subunit beta; plus strand). Cytogenetic location: 22q12.3.
Variant type: single nucleotide variant.
Coding change: c.1889G>T on transcript NM_000395.3 (MANE Select); coding-DNA position 1889, G replaced by T.
Protein change: p.Cys630Phe; replaces cysteine 630 with phenylalanine.
Molecular consequence: missense variant.
Genome position (GRCh38, 1-based): chr22:36,937,697, G>T. VCF-style: chr22-36937697-G-T. GRCh37 (hg19) VCF-style: chr22-37333739-G-T.
Other names: c.1907G>T, p.Cys636Phe (NM_001410827.1); short protein forms C630F, C636F.
Identifiers: ClinVar variation 2120757 (VCV002120757.4), dbSNP rs2518008945, ClinGen allele CA411410398.

ClinVar aggregate classification (germline): Uncertain significance (1 of 4 stars; one submission).

Submission:

Labcorp Genetics (formerly Invitae), Labcorp
Classification: Uncertain significance. Last evaluated: 2022-08-09. Review status: criteria provided, single submitter. Criteria: Invitae Variant Classification Sherloc (09022015). Collection method: clinical testing. Allele origin: germline.
Comment: In summary, the available evidence is currently insufficient to determine the role of this variant in disease. Therefore, it has been classified as a Variant of Uncertain Significance. Algorithms developed to predict the effect of missense changes on protein structure and function are either unavailable or do not agree on the potential impact of this missense change (SIFT: "Deleterious"; PolyPhen-2: "Probably Damaging"; Align-GVGD: "Class C0"). This variant has not been reported in the literature in individuals affected with CSF2RB-related conditions. This variant is not present in population databases (gnomAD no frequency). This sequence change replaces cysteine, which is neutral and slightly polar, with phenylalanine, which is neutral and non-polar, at codon 630 of the CSF2RB protein (p.Cys630Phe).